The following is an entry in ClinVar:

NM_001458.5(FLNC):c.2208del (p.Lys737fs)

Gene: FLNC (filamin C; plus strand). Cytogenetic location: 7q32.1.
Variant type: Deletion.
Coding change: c.2208del on transcript NM_001458.5 (MANE Select); coding-DNA position 2208, one base deleted (T; older notation c.2208delT).
Protein change: p.Lys737fs; shifts the reading frame from lysine 737.
Molecular consequence: frameshift variant.
Genome position (GRCh38, 1-based): chr7:128,842,317, T deleted; the last of 2 consecutive T bases (chr7:128,842,316-128,842,317); deleting either gives the same sequence. VCF-style (leftmost placement, unchanged base first): chr7-128842315-AT-A. GRCh37 (hg19) VCF-style: chr7-128482369-AT-A.
Other names: c.2208del, p.Lys737fs (NM_001127487.2); short protein forms K737fs.
Identifiers: ClinVar variation 4812437 (VCV004812437.1).
Genomic context (GRCh38, chr7:128,842,315, plus strand): 5'-ATCAAGGTGATCCCCAACGGCGACGGCACCTTCCGCTGCTCCTACGTGCCCACCAAGCCC[AT>A]TAAGCACACCATCATCATCTCCTGGGGAGGCGTAAACGTGCCCAAGAGCCCCTTCCGGGT-3'

ClinVar aggregate classification (germline): Pathogenic (1 of 4 stars; one submission).

Conditions:
Hypertrophic cardiomyopathy 26. Also called: Cardiomyopathy, familial hypertrophic, 26. Identifiers: Orphanet 75249, MedGen C4310749, MONDO:0014883, OMIM 617047.
Myofibrillar myopathy 5. Also called: Filaminopathy (type); FILAMINOPATHY, AUTOSOMAL DOMINANT. Identifiers: Orphanet 171445, MedGen C1836050, MONDO:0012289, OMIM 609524.
Distal myopathy with posterior leg and anterior hand involvement. Also called: WILLIAMS DISTAL MYOPATHY. Identifiers: Orphanet 63273, MedGen C3279722, MONDO:0013550, OMIM 614065.

Submission:

Labcorp Genetics (formerly Invitae), Labcorp
Classification: Pathogenic for Distal myopathy with posterior leg and anterior hand involvement; Myofibrillar myopathy 5; Hypertrophic cardiomyopathy 26. Last evaluated: 2025-05-06. Review status: criteria provided, single submitter. Criteria: Invitae Variant Classification Sherloc (09022015). Collection method: clinical testing. Allele origin: germline.
Comment: This sequence change creates a premature translational stop signal (p.Lys737Serfs*11) in the FLNC gene. It is expected to result in an absent or disrupted protein product. Loss-of-function variants in FLNC are known to be pathogenic (PMID: 27908349). This variant is not present in population databases (gnomAD no frequency). This premature translational stop signal has been observed in individual(s) with FLNC-related conditions (PMID: 27908349). For these reasons, this variant has been classified as Pathogenic.

Literature cited by the submitters: PubMed 27908349.